The following is an entry in ClinVar:

NM_000302.4(PLOD1):c.802A>G (p.Thr268Ala)

Gene: PLOD1 (procollagen-lysine,2-oxoglutarate 5-dioxygenase 1; plus strand). Cytogenetic location: 1p36.22.
Variant type: single nucleotide variant.
Coding change: c.802A>G on transcript NM_000302.4 (MANE Select); coding-DNA position 802, A replaced by G.
Protein change: p.Thr268Ala; replaces threonine 268 with alanine.
Molecular consequence: missense variant.
Genome position (GRCh38, 1-based): chr1:11,957,902, A>G. VCF-style: chr1-11957902-A-G. GRCh37 (hg19) VCF-style: chr1-12017959-A-G.
Other names: c.943A>G, p.Thr315Ala (NM_001316320.2); short protein forms T268A, T315A.
Identifiers: ClinVar variation 440170 (VCV000440170.74), dbSNP rs74354225, ClinGen allele CA598143.
Genomic context (GRCh38, chr1:11,957,902, plus strand): 5'-CTGCAGTTGAACTACCTGGGCAACTACATCCCGCGCTTCTGGACCTTCGAAACAGGCTGC[A>G]CCGTGTGTGACGAAGGCTTGCGCAGCCTCAAGGGCATTGGGGTGAGGCTGCGCCCAGGCC-3'
Protein context (NP_000293.2, residues 258-278): PRFWTFETGC[Thr268Ala]VCDEGLRSLK

ClinVar aggregate classification (germline): Benign/Likely benign. Review status: criteria provided, multiple submitters, no conflicts (2 of 4 stars). 9 submissions from 9 submitters: Benign (5); Likely benign (2). 2 of the submissions do not count toward it. Last evaluated 2026-02-04.

Conditions:
Familial thoracic aortic aneurysm and aortic dissection (TAAD). Also called: Thoracic aortic aneurysms and dissections. Identifiers: Orphanet 91387, MedGen C4707243, MONDO:0019625.
Ehlers-Danlos syndrome, kyphoscoliotic type 1 (EDSKSCL1). Also called: Ehlers-Danlos syndrome, hydroxylysine-deficient; EHLERS-DANLOS SYNDROME, OCULAR-SCOLIOTIC TYPE; PLOD1-Related Kyphoscoliotic Ehlers-Danlos Syndrome; EHLERS-DANLOS SYNDROME, TYPE VIA. Identifiers: Orphanet 1900, MedGen C0268342, MONDO:0016002, OMIM 225400. Disease mechanism: loss of function.

Allele frequency attached by ClinVar (database versions not stated): gnomAD 0.00343 and 0.00370; 1000 Genomes Project 30x 0.00344; TOPMed 0.00381; ESP Exome Variant Server 0.00461; gnomAD exomes 0.00029 and 0.00083; ExAC 0.00101; 1000 Genomes Project 0.00319.
gnomAD v4.1: 958 of 1,613,942 alleles (0.059%); highest among the groups gnomAD compares: African/African-American, 1.2%; 8 homozygotes.

Submissions (9):

Labcorp Genetics (formerly Invitae), Labcorp
Classification: Benign for Ehlers-Danlos syndrome, kyphoscoliotic type 1. Last evaluated: 2026-02-04. Review status: criteria provided, single submitter. Criteria: Invitae Variant Classification Sherloc (09022015). Collection method: clinical testing. Allele origin: germline.

CeGaT Center for Human Genetics Tuebingen
Classification: Likely benign. Last evaluated: 2025-07-01. Review status: criteria provided, single submitter. Criteria: CeGaT Center For Human Genetics Tuebingen Variant Classification Criteria Version 2. Collection method: clinical testing. Allele origin: germline. Affected: yes. Observed: 1 variant allele.
Comment: PLOD1: BP4, BS1

Blueprint Genetics
Classification: Likely benign. Last evaluated: 2024-09-02. Review status: criteria provided, single submitter. Criteria: ACMG Guidelines, 2015. Collection method: clinical testing. Allele origin: germline.

ARUP Laboratories, Molecular Genetics and Genomics, ARUP Laboratories
Classification: Benign for Ehlers-Danlos syndrome, kyphoscoliotic type 1. Last evaluated: 2022-04-06. Review status: criteria provided, single submitter. Criteria: ARUP Molecular Germline Variant Investigation Process 2021. Collection method: clinical testing. Allele origin: germline.

Mayo Clinic Laboratories, Mayo Clinic
Classification: Benign. Last evaluated: 2021-07-08. Review status: criteria provided, single submitter. Criteria: ACMG Guidelines, 2015. Collection method: clinical testing. Allele origin: germline. Observed: 8 variant alleles.

GeneDx
Classification: Benign. Last evaluated: 2019-06-26. Review status: criteria provided, single submitter. Criteria: GeneDx Variant Classification Process June 2021. Collection method: clinical testing. Allele origin: germline. Affected: yes.

Ambry Genetics
Classification: Benign for Familial thoracic aortic aneurysm and aortic dissection. Last evaluated: 2016-09-23. Review status: criteria provided, single submitter. Criteria: Ambry Variant Classification Scheme 2023. Collection method: clinical testing. Allele origin: germline.

Genome Diagnostics Laboratory, Amsterdam University Medical Center
Classification: Likely benign. Review status: no assertion criteria provided. Collection method: clinical testing. Allele origin: germline. Affected: yes. Study: VKGL Data-share Consensus. Not counted in ClinVar's aggregate classification.

Laboratory of Diagnostic Genome Analysis, Leiden University Medical Center (LUMC)
Classification: Likely benign. Review status: no assertion criteria provided. Collection method: clinical testing. Allele origin: germline. Affected: yes. Study: VKGL Data-share Consensus. Not counted in ClinVar's aggregate classification.